The following is an entry in ClinVar:

ClinVar aggregate classification (germline): Uncertain significance (1 of 4 stars; one submission).

gnomAD v4.1: 4 of 1,613,710 alleles (0.00025%); highest among the groups gnomAD compares: South Asian, 0.0033%; no homozygotes.

Submission:

Ambry Genetics
Classification: Uncertain significance. Last evaluated: 2025-05-15. Review status: criteria provided, single submitter. Criteria: Ambry Variant Classification Scheme 2023. Collection method: clinical testing. Allele origin: germline.
Comment: The p.L19V variant (also known as c.55C>G), located in coding exon 1 of the RAD51B gene, results from a C to G substitution at nucleotide position 55. The leucine at codon 19 is replaced by valine, an amino acid with highly similar properties. This amino acid position is conserved. In addition, the in silico prediction for this alteration is inconclusive. Based on the available evidence, the clinical significance of this variant remains unclear.

NM_133510.4(RAD51B):c.55C>G (p.Leu19Val)

Gene: RAD51B (RAD51 paralog B; plus strand). Cytogenetic location: 14q24.1.
Variant type: single nucleotide variant.
Coding change: c.55C>G on transcript NM_133510.4 (MANE Select); coding-DNA position 55, C replaced by G.
Protein change: p.Leu19Val; replaces leucine 19 with valine.
Molecular consequence: missense variant. On other transcripts: 5 prime UTR variant (2).
Genome position (GRCh38, 1-based): chr14:67,823,598, C>G. VCF-style: chr14-67823598-C-G. GRCh37 (hg19) VCF-style: chr14-68290315-C-G.
Other names: c.55C>G, p.Leu19Val (NM_001321809.2, NM_001321810.2, NM_001321812.1 and 6 more transcripts); c.-60C>G (NM_001321815.1); c.-401C>G (NM_001321817.2); short protein forms L19V.
Identifiers: ClinVar variation 3942317 (VCV003942317.1).
Genomic context (GRCh38, chr14:67,823,598, plus strand): 5'-GGAGGCATGGGTAGCAAGAAACTAAAACGAGTGGGTTTATCACAAGAGCTGTGTGACCGT[C>G]TGAGTAGACATCAGATCCTTACCTGTCAGGTAAATTTTATTTAACATTTTTATTGATAAG-3'
Protein context (NP_598194.1, residues 9-29): VGLSQELCDR[Leu19Val]SRHQILTCQD